The following is an entry in ClinVar:

NM_003172.4(SURF1):c.109dup

Gene: SURF1 (SURF1 cytochrome c oxidase assembly factor; minus strand). Cytogenetic location: 9q34.2.
Variant type: Duplication.
Coding change: c.109dup on transcript NM_003172.4 (MANE Select); coding-DNA position 109, one base duplicated (G; older notation c.109dupG).
Genome position (GRCh38, 1-based): chr9:133,354,955, C duplicated on the plus strand (G on the coding strand, the reverse complement: SURF1 is on the minus strand); the first of 4 consecutive C bases (chr9:133,354,955-133,354,958); duplicating any one gives the same sequence. VCF-style (leftmost placement, unchanged base first): chr9-133354954-A-AC. GRCh37 (hg19) VCF-style: chr9-136221809-A-AC.
Identifiers: ClinVar variation 2186243 (VCV002186243.6), dbSNP rs781828424, ClinGen allele CA200833561.
Genomic context (GRCh38, chr9:133,354,954, plus strand): 5'-TCCGCTTTTGTGGCAGATGCTTCTGCTGCAGAACTGCCACATCTGCTTGGCCTCCAGGCC[A>AC]CCCCTGGAGAGTTTCACAACACTGACATGGAGCCAGAAGCCCTCGAACACAGACCTGGAG-3'

ClinVar aggregate classification (germline): Pathogenic/Likely pathogenic. Review status: criteria provided, multiple submitters, no conflicts (2 of 4 stars). 2 submissions from 2 submitters: Pathogenic (1); Likely pathogenic (1). Last evaluated 2024-09-24.

Conditions:
Mitochondrial complex IV deficiency, nuclear type 1 (MC4DN1). Also called: COX DEFICIENCY; Mitochondrial complex IV deficiency; Complex 4 mitochondrial respiratory chain deficiency; Deficiency of mitochondrial respiratory chain complex4; Complex IV deficiency. Identifiers: MedGen C5435656, MONDO:0700250, OMIM 220110. Disease mechanism: loss of function.
Charcot-Marie-Tooth disease type 4K. Also called: CHARCOT-MARIE-TOOTH DISEASE, DEMYELINATING, TYPE 4K; CHARCOT-MARIE-TOOTH DISEASE, DEMYELINATING, AUTOSOMAL RECESSIVE, TYPE 4K; CHARCOT-MARIE-TOOTH NEUROPATHY, DEMYELINATING, AUTOSOMAL RECESSIVE, TYPE 4K. Identifiers: Orphanet 391351, MedGen C4225246, MONDO:0014733, OMIM 616684.
Leigh syndrome (NULS). Also called: Leigh's syndrome; Subacute necrotizing encephalopathy; Necrotizing encephalopathy infantile subacute of Leigh; Leigh Disease; LEIGH SYNDROME, NUCLEAR; Leigh's necrotizing encephalopathy. Identifiers: Orphanet 506, MedGen C2931891, MONDO:0009723, OMIM 256000.

Submissions (2):

Labcorp Genetics (formerly Invitae), Labcorp
Classification: Pathogenic for Leigh syndrome. Last evaluated: 2024-09-24. Review status: criteria provided, single submitter. Criteria: Invitae Variant Classification Sherloc (09022015). Collection method: clinical testing. Allele origin: germline.
Comment: This sequence change creates a premature translational stop signal (p.Val37Glyfs*23) in the SURF1 gene. It is expected to result in an absent or disrupted protein product. Loss-of-function variants in SURF1 are known to be pathogenic (PMID: 10443880, 22488715, 24027061). This variant is present in population databases (rs781828424, gnomAD 0.007%). This variant has not been reported in the literature in individuals affected with SURF1-related conditions. ClinVar contains an entry for this variant (Variation ID: 2186243). For these reasons, this variant has been classified as Pathogenic.

Fulgent Genetics
Classification: Likely pathogenic for Mitochondrial complex IV deficiency, nuclear type 1; Charcot-Marie-Tooth disease type 4K. Last evaluated: 2024-02-29. Review status: criteria provided, single submitter. Criteria: ACMG Guidelines, 2015. Collection method: clinical testing. Allele origin: germline.

Literature cited by the submitters: PubMed 10443880 (cited by Labcorp Genetics (formerly Invitae), Labcorp); PubMed 22488715 (cited by Labcorp Genetics (formerly Invitae), Labcorp); PubMed 24027061 (cited by Labcorp Genetics (formerly Invitae), Labcorp).